The following is an entry in ClinVar:

NM_001999.4(FBN2):c.772C>T (p.Pro258Ser)

Gene: FBN2 (fibrillin 2; minus strand). Cytogenetic location: 5q23.3.
Variant type: single nucleotide variant.
Coding change: c.772C>T on transcript NM_001999.4 (MANE Select); coding-DNA position 772, C replaced by T.
Protein change: p.Pro258Ser; replaces proline 258 with serine.
Molecular consequence: missense variant.
Genome position (GRCh38, 1-based): chr5:128,464,778, G>A on the plus strand (C>T on the coding strand, the complement: FBN2 is on the minus strand). VCF-style: chr5-128464778-G-A. GRCh37 (hg19) VCF-style: chr5-127800471-G-A.
Other names: short protein forms P258S.
Identifiers: ClinVar variation 3653502 (VCV003653502.2).

ClinVar aggregate classification (germline): Uncertain significance (1 of 4 stars; one submission).

Conditions:
Congenital contractural arachnodactyly (CCA). Also called: BEALS SYNDROME; Arthrogryposis, distal, type 9; Beals-Hecht syndrome. Identifiers: Orphanet 115, MedGen C0220668, MONDO:0007363, OMIM 121050.

gnomAD v4.1: 1 of 1,614,186 alleles (0.000062%); highest among the groups gnomAD compares: Non-Finnish European, 0.000085%; no homozygotes.

Submission:

Labcorp Genetics (formerly Invitae), Labcorp
Classification: Uncertain significance for Congenital contractural arachnodactyly. Last evaluated: 2025-12-15. Review status: criteria provided, single submitter. Criteria: Invitae Variant Classification Sherloc (09022015). Collection method: clinical testing. Allele origin: germline.
Comment: This sequence change replaces proline, which is neutral and non-polar, with serine, which is neutral and polar, at codon 258 of the FBN2 protein (p.Pro258Ser). This variant is not present in population databases (gnomAD no frequency). This variant has not been reported in the literature in individuals affected with FBN2-related conditions. ClinVar contains an entry for this variant (Variation ID: 3653502). Invitae Evidence Modeling of protein sequence and biophysical properties (such as structural, functional, and spatial information, amino acid conservation, physicochemical variation, residue mobility, and thermodynamic stability) indicates that this missense variant is not expected to disrupt FBN2 protein function with a negative predictive value of 80%. In summary, the available evidence is currently insufficient to determine the role of this variant in disease. Therefore, it has been classified as a Variant of Uncertain Significance.